The following is an entry in ClinVar:

NM_001130438.3(SPTAN1):c.4364A>T (p.Glu1455Val)

Gene: SPTAN1 (spectrin alpha, non-erythrocytic 1; plus strand). Cytogenetic location: 9q34.11.
Variant type: single nucleotide variant.
Coding change: c.4364A>T on transcript NM_001130438.3 (MANE Select); coding-DNA position 4364, A replaced by T.
Protein change: p.Glu1455Val; replaces glutamic acid 1455 with valine.
Molecular consequence: missense variant.
Genome position (GRCh38, 1-based): chr9:128,608,149, A>T. VCF-style: chr9-128608149-A-T. GRCh37 (hg19) VCF-style: chr9-131370428-A-T.
Other names: c.4364A>T, p.Glu1455Val (NM_003127.4, NM_001363759.2, NM_001375310.1 and 2 more transcripts); c.4304A>T, p.Glu1435Val (NM_001195532.2, NM_001363765.2, NM_001375314.2); c.4400A>T, p.Glu1467Val (NM_001375312.2, NM_001375318.1); short protein forms E1435V, E1455V, E1467V.
Identifiers: ClinVar variation 2109884 (VCV002109884.4), dbSNP rs2541756776, ClinGen allele CA375066839.

ClinVar aggregate classification (germline): Uncertain significance (1 of 4 stars; one submission).

Conditions:
Early-infantile DEE. Also called: Early infantile epileptic encephalopathy; Early infantile epileptic encephalopathy with suppression bursts; Ohtahara syndrome. Identifiers: Orphanet 1934, MedGen C0393706, MONDO:0800491.

Submission:

Labcorp Genetics (formerly Invitae), Labcorp
Classification: Uncertain significance for Early-infantile DEE. Last evaluated: 2023-12-25. Review status: criteria provided, single submitter. Criteria: Invitae Variant Classification Sherloc (09022015). Collection method: clinical testing. Allele origin: germline.
Comment: This sequence change replaces glutamic acid, which is acidic and polar, with valine, which is neutral and non-polar, at codon 1455 of the SPTAN1 protein (p.Glu1455Val). This variant is not present in population databases (gnomAD no frequency). This variant has not been reported in the literature in individuals affected with SPTAN1-related conditions. ClinVar contains an entry for this variant (Variation ID: 2109884). Advanced modeling of protein sequence and biophysical properties (such as structural, functional, and spatial information, amino acid conservation, physicochemical variation, residue mobility, and thermodynamic stability) has been performed at Invitae for this missense variant, however the output from this modeling did not meet the statistical confidence thresholds required to predict the impact of this variant on SPTAN1 protein function. In summary, the available evidence is currently insufficient to determine the role of this variant in disease. Therefore, it has been classified as a Variant of Uncertain Significance.